The following is an entry in ClinVar:

ClinVar aggregate classification (germline): Likely benign (1 of 4 stars; one submission).

Allele frequency attached by ClinVar (database versions not stated): ExAC 0.00001; 1000 Genomes Project 30x 0.00515.

Submission:

CeGaT Center for Human Genetics Tuebingen
Classification: Likely benign. Last evaluated: 2025-12-01. Review status: criteria provided, single submitter. Criteria: CeGaT Center For Human Genetics Tuebingen Variant Classification Criteria Version 2. Collection method: clinical testing. Allele origin: germline. Affected: yes. Observed: 2 variant alleles.
Comment: NACA: BP4, BP7

NM_001365896.1(NACA):c.3270A>C (p.Pro1090=)

Gene: NACA (nascent polypeptide associated complex subunit alpha; minus strand). Cytogenetic location: 12q13.3.
Variant type: single nucleotide variant.
Coding change: c.3270A>C on transcript NM_001365896.1 (MANE Select); coding-DNA position 3270, A replaced by C.
Protein change: p.Pro1090=; no amino-acid change (proline 1090 retained).
Molecular consequence: synonymous variant. On other transcripts: intron variant (6).
Genome position (GRCh38, 1-based): chr12:56,718,260, T>G on the plus strand (A>C on the coding strand, the complement: NACA is on the minus strand). VCF-style: chr12-56718260-T-G. GRCh37 (hg19) VCF-style: chr12-57112044-T-G.
Other names: c.71-3573A>C (NM_001113202.2, NM_001320194.2, NM_001320193.2 and 2 more transcripts); c.1864+1277A>C (NM_001113203.3).
Identifiers: ClinVar variation 3025404 (VCV003025404.22), dbSNP rs768199123, ClinGen allele CA6636769.